The following is an entry in ClinVar:

ClinVar aggregate classification (germline): Uncertain significance. Review status: criteria provided, multiple submitters, no conflicts (2 of 4 stars). 2 submissions from 2 submitters: Uncertain significance (2). Last evaluated 2025-08-28.

Conditions:
Inborn genetic diseases. Identifiers: MedGen C0950123, MeSH D030342.

gnomAD v4.1: 77 of 1,614,042 alleles (0.0048%); highest among the groups gnomAD compares: Non-Finnish European, 0.0063%; no homozygotes.

Submissions (2):

Ambry Genetics
Classification: Uncertain significance for Inborn genetic diseases. Last evaluated: 2025-08-28. Review status: criteria provided, single submitter. Criteria: Ambry Variant Classification Scheme 2023. Collection method: clinical testing. Allele origin: germline.

Labcorp Genetics (formerly Invitae), Labcorp
Classification: Uncertain significance. Last evaluated: 2025-02-10. Review status: criteria provided, single submitter. Criteria: Invitae Variant Classification Sherloc (09022015). Collection method: clinical testing. Allele origin: germline.
Comment: This sequence change replaces histidine, which is basic and polar, with tyrosine, which is neutral and polar, at codon 572 of the PLD1 protein (p.His572Tyr). This variant is present in population databases (rs200929525, gnomAD 0.01%). This variant has not been reported in the literature in individuals affected with PLD1-related conditions. Invitae Evidence Modeling of protein sequence and biophysical properties (such as structural, functional, and spatial information, amino acid conservation, physicochemical variation, residue mobility, and thermodynamic stability) indicates that this missense variant is not expected to disrupt PLD1 protein function with a negative predictive value of 80%. In summary, the available evidence is currently insufficient to determine the role of this variant in disease. Therefore, it has been classified as a Variant of Uncertain Significance.

NM_002662.5(PLD1):c.1714C>T (p.His572Tyr)

Gene: PLD1 (phospholipase D1; minus strand). Cytogenetic location: 3q26.31.
Variant type: single nucleotide variant.
Coding change: c.1714C>T on transcript NM_002662.5 (MANE Select); coding-DNA position 1714, C replaced by T.
Protein change: p.His572Tyr; replaces histidine 572 with tyrosine.
Molecular consequence: missense variant.
Genome position (GRCh38, 1-based): chr3:171,687,410, G>A on the plus strand (C>T on the coding strand, the complement: PLD1 is on the minus strand). VCF-style: chr3-171687410-G-A. GRCh37 (hg19) VCF-style: chr3-171405200-G-A.
Other names: c.1714C>T, p.His572Tyr (NM_001130081.3); short protein forms H572Y.
Identifiers: ClinVar variation 4138876 (VCV004138876.2).
Genomic context (GRCh38, chr3:171,687,410, plus strand): 5'-CTAGTCAAGGCCATGACTTACTGGAGGTGCTGTCAATGCTGCTGATGCTATCTGCGTCGT[G>A]CAGGTGGTGCCTGTGGAGCTGCTTGTAGAGACTAAATTTGGAGAACTTTCTTGGCTTTCC-3'
Protein context (NP_002653.1, residues 562-582): LYKQLHRHHL[His572Tyr]DADSISSIDS